The following is an entry in ClinVar:

ClinVar aggregate classification (germline): Uncertain significance (1 of 4 stars; one submission).

Conditions:
Rhabdoid tumor predisposition syndrome 2 (RTPS2). Identifiers: Orphanet 231108, Orphanet 69077, MedGen C2750074, MONDO:0013224, OMIM 613325.

Submission:

Labcorp Genetics (formerly Invitae), Labcorp
Classification: Uncertain significance for Rhabdoid tumor predisposition syndrome 2. Last evaluated: 2024-02-05. Review status: criteria provided, single submitter. Criteria: Invitae Variant Classification Sherloc (09022015). Collection method: clinical testing. Allele origin: germline.
Comment: This variant, c.1919_1920insTCC, is a complex sequence change that results in the deletion of 1 and insertion of 2 amino acid(s) in the SMARCA4 protein (p.Glu640delinsAspPro). This variant is not present in population databases (gnomAD no frequency). This variant has not been reported in the literature in individuals affected with SMARCA4-related conditions. Experimental studies and prediction algorithms are not available or were not evaluated, and the functional significance of this variant is currently unknown. In summary, the available evidence is currently insufficient to determine the role of this variant in disease. Therefore, it has been classified as a Variant of Uncertain Significance.

NM_003072.5(SMARCA4):c.1919_1920insTCC (p.Glu640delinsAspPro)

Gene: SMARCA4 (SWI/SNF related BAF chromatin remodeling complex subunit ATPase 4; plus strand). Cytogenetic location: 19p13.2.
Variant type: Insertion.
Coding change: c.1919_1920insTCC on transcript NM_003072.5 (MANE Select); coding-DNA positions 1919 to 1920, TCC inserted.
Protein change: p.Glu640delinsAspPro.
Molecular consequence: inframe indel. On other transcripts: non-coding transcript variant (1).
Genome position: GRCh38 VCF-style: chr19-11003135-A-ATCC. GRCh37 (hg19) VCF-style: chr19-11113811-A-ATCC.
Other names: c.1919_1920insTCC, p.Glu640delinsAspPro (NM_001128844.3, NM_001128845.2, NM_001128846.2 and 6 more transcripts).
Identifiers: ClinVar variation 3639003 (VCV003639003.2).